The following is an entry in ClinVar:

NM_000565.4(IL6R):c.795C>G (p.Phe265Leu)

Gene: IL6R (interleukin 6 receptor; plus strand). Cytogenetic location: 1q21.3.
Variant type: single nucleotide variant.
Coding change: c.795C>G on transcript NM_000565.4 (MANE Select); coding-DNA position 795, C replaced by G.
Protein change: p.Phe265Leu; replaces phenylalanine 265 with leucine.
Molecular consequence: missense variant.
Genome position (GRCh38, 1-based): chr1:154,435,144, C>G. VCF-style: chr1-154435144-C-G. GRCh37 (hg19) VCF-style: chr1-154407620-C-G.
Other names: c.795C>G, p.Phe265Leu (NM_001206866.2, NM_001382769.1, NM_001382770.1 and 4 more transcripts); c.435C>G, p.Phe145Leu (NM_001382774.1); short protein forms F145L, F265L.
Identifiers: ClinVar variation 4711510 (VCV004711510.1).

ClinVar aggregate classification (germline): Uncertain significance (1 of 4 stars; one submission).

Submission:

Labcorp Genetics (formerly Invitae), Labcorp
Classification: Uncertain significance. Last evaluated: 2025-11-23. Review status: criteria provided, single submitter. Criteria: Invitae Variant Classification Sherloc (09022015). Collection method: clinical testing. Allele origin: germline.
Comment: This sequence change replaces phenylalanine, which is neutral and non-polar, with leucine, which is neutral and non-polar, at codon 265 of the IL6R protein (p.Phe265Leu). This variant is not present in population databases (gnomAD no frequency). This variant has not been reported in the literature in individuals affected with IL6R-related conditions. An algorithm developed to predict the effect of missense changes on protein structure and function (PolyPhen-2) suggests that this variant is likely to be disruptive. In summary, the available evidence is currently insufficient to determine the role of this variant in disease. Therefore, it has been classified as a Variant of Uncertain Significance.